The following is an entry in ClinVar:

ClinVar aggregate classification (germline): Uncertain significance. Review status: criteria provided, multiple submitters, no conflicts (2 of 4 stars). 4 submissions from 4 submitters: Uncertain significance (4). Last evaluated 2025-07-30.

Conditions:
Hereditary breast ovarian cancer syndrome. Also called: Hereditary breast and ovarian cancer; Hereditary breast and ovarian cancer syndrome (HBOC); BRCA1- and BRCA2-Associated Hereditary Breast and Ovarian Cancer; Hereditary breast and ovarian cancer syndrome; Hereditary breast and/or ovarian cancer syndrome; Breast and ovarian cancer. Identifiers: Orphanet 145, MedGen C0677776, MeSH D061325, MONDO:0003582. Disease mechanism: loss of function.
Hereditary cancer-predisposing syndrome. Also called: Neoplastic Syndromes, Hereditary; Tumor predisposition; Hereditary Cancer Syndrome; Hereditary neoplastic syndrome. Identifiers: Orphanet 140162, MedGen C0027672, MeSH D009386, MONDO:0015356.

Allele frequency attached by ClinVar (database versions not stated): gnomAD exomes below 0.00001 and 0.00001.
gnomAD v4.1: 15 of 1,613,410 alleles (0.00093%); highest among the groups gnomAD compares: Non-Finnish European, 0.0013%; no homozygotes.

Submissions (4):

Labcorp Genetics (formerly Invitae), Labcorp
Classification: Uncertain significance for Hereditary breast ovarian cancer syndrome. Last evaluated: 2025-07-30. Review status: criteria provided, single submitter. Criteria: Invitae Variant Classification Sherloc (09022015). Collection method: clinical testing. Allele origin: germline.
Comment: This sequence change replaces proline, which is neutral and non-polar, with alanine, which is neutral and non-polar, at codon 1464 of the BRCA1 protein (p.Pro1464Ala). This variant is present in population databases (no rsID available, gnomAD 0.0009%). This variant has not been reported in the literature in individuals affected with BRCA1-related conditions. ClinVar contains an entry for this variant (Variation ID: 639775). Invitae Evidence Modeling of protein sequence and biophysical properties (such as structural, functional, and spatial information, amino acid conservation, physicochemical variation, residue mobility, and thermodynamic stability) indicates that this missense variant is not expected to disrupt BRCA1 protein function with a negative predictive value of 95%. In summary, the available evidence is currently insufficient to determine the role of this variant in disease. Therefore, it has been classified as a Variant of Uncertain Significance.

Ambry Genetics
Classification: Uncertain significance for Hereditary cancer-predisposing syndrome. Last evaluated: 2025-07-28. Review status: criteria provided, single submitter. Criteria: Ambry Variant Classification Scheme 2023. Collection method: clinical testing. Allele origin: germline.
Comment: The p.P1464A variant (also known as c.4390C>G), located in coding exon 12 of the BRCA1 gene, results from a C to G substitution at nucleotide position 4390. The proline at codon 1464 is replaced by alanine, an amino acid with highly similar properties. This amino acid position is not well conserved in available vertebrate species. In addition, the in silico prediction for this alteration is inconclusive. Since supporting evidence is limited at this time, the clinical significance of this alteration remains unclear.

Quest Diagnostics Nichols Institute San Juan Capistrano
Classification: Uncertain significance. Last evaluated: 2025-05-14. Review status: criteria provided, single submitter. Criteria: Quest Diagnostics criteria. Collection method: clinical testing. Allele origin: unknown.
Comment: The BRCA1 c.4390C>G (p.Pro1464Ala) variant has been reported in the published literature in an individual with bladder cancer (PMID: 37870965 (2023)) and in a reportedly unaffected individual (PMID: 33471991 (2021), see also LOVD). The frequency of this variant in the general population (Genome Aggregation Database) is uninformative in the assessment of its pathogenicity. Analysis of this variant using bioinformatics tools for the prediction of the effect of amino acid changes on protein structure and function yielded predictions that this variant is benign. Based on the available information, we are unable to determine the clinical significance of this variant.

Color Diagnostics, LLC DBA Color Health
Classification: Uncertain significance for Hereditary cancer-predisposing syndrome. Last evaluated: 2024-06-13. Review status: criteria provided, single submitter. Criteria: ACMG Guidelines, 2015. Collection method: clinical testing. Allele origin: germline.
Comment: This missense variant replaces proline with alanine at codon 1464 of the BRCA1 protein. Computational prediction suggests that this variant may not impact protein structure and function. To our knowledge, functional studies have not been reported for this variant. This variant has been detected in a breast cancer case-control meta-analysis in 0/60466 cases and 1/53461 unaffected individuals (PMID: 33471991; Leiden Open Variation Database DB-ID BRCA1_005939). This variant has been identified in 1/251124 chromosomes in the general population by the Genome Aggregation Database (gnomAD). The available evidence is insufficient to determine the role of this variant in disease conclusively. Therefore, this variant is classified as a Variant of Uncertain Significance.

Literature cited by the submitters: PubMed 33471991 (cited by Quest Diagnostics Nichols Institute San Juan Capistrano and Color Diagnostics, LLC DBA Color Health); PubMed 31911673 (cited by Quest Diagnostics Nichols Institute San Juan Capistrano); PubMed 39659251 (cited by Quest Diagnostics Nichols Institute San Juan Capistrano); PubMed 37870965 (cited by Quest Diagnostics Nichols Institute San Juan Capistrano).

NM_007294.4(BRCA1):c.4390C>G (p.Pro1464Ala)

Gene: BRCA1 (BRCA1 DNA repair associated; minus strand). Cytogenetic location: 17q21.31.
Variant type: single nucleotide variant.
Coding change: c.4390C>G on transcript NM_007294.4 (MANE Select); coding-DNA position 4390, C replaced by G.
Protein change: p.Pro1464Ala; replaces proline 1464 with alanine.
Molecular consequence: missense variant. On other transcripts: non-coding transcript variant (1).
Genome position (GRCh38, 1-based): chr17:43,076,582, G>C on the plus strand (C>G on the coding strand, the complement: BRCA1 is on the minus strand). VCF-style: chr17-43076582-G-C. GRCh37 (hg19) VCF-style: chr17-41228599-G-C.
Other names: c.1078C>G, p.Pro360Ala (NM_001407991.1, NM_001407992.1, NM_001407993.1 and 13 more transcripts); c.1075C>G, p.Pro359Ala (NM_001408392.1, NM_001408396.1, NM_001408397.1 and 8 more transcripts); c.1072C>G, p.Pro358Ala (NM_001408406.1, NM_001408407.1, NM_001408408.1); c.1069C>G, p.Pro357Ala (NM_001408409.1); c.1006C>G, p.Pro336Ala (NM_001408410.1); c.1003C>G, p.Pro335Ala (NM_001408411.1); c.1000C>G, p.Pro334Ala (NM_001408412.1, NM_001408413.1, NM_001408414.1 and 2 more transcripts); c.964C>G, p.Pro322Ala (NM_001408418.1, NM_001408419.1, NM_001408420.1); and 68 more; short protein forms P1417A, P1464A, P1485A, P360A, P1295A, P1335A, P1353A, P1393A.
Identifiers: ClinVar variation 639775 (VCV000639775.16), dbSNP rs1259139517, ClinGen allele CA10592757.